The following is an entry in ClinVar:

ClinVar aggregate classification (germline): Likely benign (1 of 4 stars; one submission).

Allele frequency attached by ClinVar (database versions not stated): TOPMed below 0.00001; gnomAD 0.00001; gnomAD exomes 0.00001.
gnomAD v4.1: 7 of 1,200,672 alleles (0.00058%); highest among the groups gnomAD compares: Non-Finnish European, 0.00079%; no homozygotes.

Submission:

Laboratory for Molecular Medicine, Mass General Brigham Personalized Medicine
Classification: Likely benign. Last evaluated: 2015-06-03. Review status: criteria provided, single submitter. Criteria: LMM Criteria. Collection method: clinical testing. Allele origin: germline. Observed: 1 variant allele.
Comment: p.Leu271Leu in exon 6 of LAMP2: This variant is not expected to have clinical si gnificance because it does not alter an amino acid residue and is not located wi thin the splice consensus sequence.

NM_002294.3(LAMP2):c.813A>G (p.Leu271=)

Gene: LAMP2 (lysosomal associated membrane protein 2; minus strand). Cytogenetic location: Xq24.
Variant type: single nucleotide variant.
Coding change: c.813A>G on transcript NM_002294.3 (MANE Select); coding-DNA position 813, A replaced by G.
Protein change: p.Leu271=; no amino-acid change (leucine 271 retained).
Molecular consequence: synonymous variant.
Genome position (GRCh38, 1-based): chrX:120,446,356, T>C on the plus strand (A>G on the coding strand, the complement: LAMP2 is on the minus strand). VCF-style: chrX-120446356-T-C. GRCh37 (hg19) VCF-style: chrX-119580211-T-C.
Other names: c.813A>G, p.Leu271= (NM_001122606.1, NM_013995.2).
Identifiers: ClinVar variation 227486 (VCV000227486.4), dbSNP rs876657485, ClinGen allele CA10577155.